The following is an entry in ClinVar:

ClinVar aggregate classification (germline): Conflicting classifications of pathogenicity. Review status: criteria provided, conflicting classifications (1 of 4 stars). 5 submissions from 5 submitters: Uncertain significance (4); Likely benign (1). Last evaluated 2026-02-02.

Conditions:
Osteogenesis imperfecta type 10 (OI10). Also called: OI, TYPE X. Identifiers: Orphanet 666, MedGen C3151211, MONDO:0013459, OMIM 613848.

Allele frequency attached by ClinVar (database versions not stated): gnomAD exomes 0.00008 and 0.00012; gnomAD 0.00009 and 0.00011; ExAC 0.00015; TOPMed 0.00015.
gnomAD v4.1: 129 of 1,607,426 alleles (0.008%); highest among the groups gnomAD compares: Middle Eastern, 0.11%; no homozygotes.

Submissions (5):

Dasa
Classification: Uncertain significance. Last evaluated: 2026-02-02. Review status: criteria provided, single submitter. Criteria: DASA Assertion Criteria. Collection method: clinical testing. Allele origin: germline.
Comment: NM_001235.5(SERPINH1):c.298G>A (p.Glu100Lys) is a missense variant that results in the substitution of glutamic acid with lysine. This variant is rare in population databases. Computational prediction algorithms are consistent with a benign effect. The currently available literature and clinical evidence are not sufficient to establish a definitive association between this variant and the reported condition. Therefore, this variant is classified as a variant of uncertain significance.

Labcorp Genetics (formerly Invitae), Labcorp
Classification: Likely benign. Last evaluated: 2025-10-02. Review status: criteria provided, single submitter. Criteria: Invitae Variant Classification Sherloc (09022015). Collection method: clinical testing. Allele origin: germline.

GeneDx
Classification: Uncertain significance. Last evaluated: 2025-03-14. Review status: criteria provided, single submitter. Criteria: GeneDx Variant Classification Process June 2021. Collection method: clinical testing. Allele origin: germline. Affected: yes.
Comment: In silico analysis indicates that this missense variant does not alter protein structure/function; Has not been previously published as pathogenic or benign to our knowledge

Blueprint Genetics
Classification: Uncertain significance. Last evaluated: 2024-10-18. Review status: criteria provided, single submitter. Criteria: ACMG Guidelines, 2015. Collection method: clinical testing. Allele origin: germline.

Illumina Laboratory Services, Illumina
Classification: Uncertain significance for Osteogenesis imperfecta type 10. Last evaluated: 2018-01-13. Review status: criteria provided, single submitter. Criteria: ICSL Variant Classification Criteria 13 December 2019. Collection method: clinical testing. Allele origin: germline.

NM_001235.5(SERPINH1):c.298G>A (p.Glu100Lys)

Gene: SERPINH1 (serpin family H member 1; plus strand). Cytogenetic location: 11q13.5.
Variant type: single nucleotide variant.
Coding change: c.298G>A on transcript NM_001235.5 (MANE Select); coding-DNA position 298, G replaced by A.
Protein change: p.Glu100Lys; replaces glutamic acid 100 with lysine.
Molecular consequence: missense variant.
Genome position (GRCh38, 1-based): chr11:75,566,647, G>A. VCF-style: chr11-75566647-G-A. GRCh37 (hg19) VCF-style: chr11-75277692-G-A.
Other names: c.298G>A, p.Glu100Lys (NM_001207014.3); short protein forms E100K.
Identifiers: ClinVar variation 306097 (VCV000306097.17), dbSNP rs749665611, ClinGen allele CA6190773.
Genomic context (GRCh38, chr11:75,566,647, plus strand): 5'-CTCGTGTCGCTGGGCGGCAAGGCGACCACGGCGTCGCAGGCCAAGGCAGTGCTGAGCGCC[G>A]AGCAGCTGCGCGACGAGGAGGTGCACGCCGGCCTGGGCGAGCTGCTGCGCTCACTCAGCA-3'
Protein context (NP_001226.2, residues 90-110): ASQAKAVLSA[Glu100Lys]QLRDEEVHAG